The following is an entry in ClinVar:

ClinVar aggregate classification (germline): Uncertain significance (1 of 4 stars; one submission).

Conditions:
TECTA-related disorder. Also called: TECTA-related condition.

Submission:

PreventionGenetics, part of Exact Sciences
Classification: Uncertain significance for TECTA-related condition. Last evaluated: 2024-11-14. Review status: criteria provided, single submitter. Criteria: ACMG Guidelines, 2015. Collection method: clinical testing. Allele origin: germline.
Comment: The TECTA c.769G>A variant is predicted to result in the amino acid substitution p.Ala257Thr. To our knowledge, this variant has not been reported in the literature or in a large population database (gnomAD), indicating this variant is rare. At this time, the clinical significance of this variant is uncertain due to the absence of conclusive functional and genetic evidence.

NM_005422.4(TECTA):c.769G>A (p.Ala257Thr)

Genes: TBCEL-TECTA (TBCEL-TECTA readthrough; plus strand), TECTA (tectorin alpha; plus strand). Cytogenetic location: 11q23.3.
Variant type: single nucleotide variant.
Coding change: c.769G>A on transcript NM_005422.4 (MANE Select); coding-DNA position 769, G replaced by A.
Protein change: p.Ala257Thr; replaces alanine 257 with threonine.
Molecular consequence: missense variant.
Genome position (GRCh38, 1-based): chr11:121,113,697, G>A. VCF-style: chr11-121113697-G-A. GRCh37 (hg19) VCF-style: chr11-120984406-G-A.
Other names: c.1726G>A, p.Ala576Thr (NM_001378761.1); short protein forms A257T, A576T.
Identifiers: ClinVar variation 5000941 (VCV005000941.1).
Genomic context (GRCh38, chr11:121,113,697, plus strand): 5'-ACAAACGTCAATGTTCCAGGCCGCTGGGCATTTAAAGTTGATGGAAAGGAAATTGACCCA[G>A]CCAATGGCTGCACCTCAAGGGGTAAAGCTTTTCCTCTGTCTGTGGCAAGGCAGGGTTTGT-3'
Protein context (NP_005413.2, residues 247-267): FKVDGKEIDP[Ala257Thr]NGCTSRGQFL